The following is an entry in ClinVar:

ClinVar aggregate classification (germline): Uncertain significance (1 of 4 stars; one submission).

Submission:

Dasa
Classification: Uncertain significance. Last evaluated: 2026-01-30. Review status: criteria provided, single submitter. Criteria: DASA Assertion Criteria. Collection method: clinical testing. Allele origin: germline.
Comment: NM_001385012.1(NBEA):c.7124A>T (p.Tyr2375Phe) is a missense variant that results in the substitution of tyrosine with phenylalanine. This variant is absent from population databases. Computational prediction algorithms are consistent with a deleterious effect. The currently available literature and clinical evidence are not sufficient to establish a definitive association between this variant and the reported condition. Therefore, this variant is classified as a variant of uncertain significance.

NM_001385012.1(NBEA):c.7124A>T (p.Tyr2375Phe)

Gene: NBEA (neurobeachin; plus strand). Cytogenetic location: 13q13.3.
Variant type: single nucleotide variant.
Coding change: c.7124A>T on transcript NM_001385012.1 (MANE Select); coding-DNA position 7124, A replaced by T.
Protein change: p.Tyr2375Phe; replaces tyrosine 2375 with phenylalanine.
Molecular consequence: missense variant.
Genome position (GRCh38, 1-based): chr13:35,583,986, A>T. VCF-style: chr13-35583986-A-T. GRCh37 (hg19) VCF-style: chr13-36158123-A-T.
Other names: c.503A>T, p.Tyr168Phe (NM_001204197.3); c.7115A>T, p.Tyr2372Phe (NM_001379245.1); c.7124A>T, p.Tyr2375Phe (NM_015678.5); short protein forms Y168F, Y2372F, Y2375F.
Identifiers: ClinVar variation 4882933 (VCV004882933.2).